The following is an entry in ClinVar:

NM_001099271.2(POC5):c.178C>T (p.Pro60Ser)

Gene: POC5 (POC5 centriolar protein; minus strand). Cytogenetic location: 5q13.3.
Variant type: single nucleotide variant.
Coding change: c.178C>T on transcript NM_001099271.2 (MANE Select); coding-DNA position 178, C replaced by T.
Protein change: p.Pro60Ser; replaces proline 60 with serine.
Molecular consequence: missense variant.
Genome position (GRCh38, 1-based): chr5:75,707,782, G>A on the plus strand (C>T on the coding strand, the complement: POC5 is on the minus strand). VCF-style: chr5-75707782-G-A. GRCh37 (hg19) VCF-style: chr5-75003607-G-A.
Other names: c.103C>T, p.Pro35Ser (NM_152408.3); short protein forms P35S, P60S.
Identifiers: ClinVar variation 2983079 (VCV002983079.3), dbSNP rs2478951367, ClinGen allele CA360150948.

ClinVar aggregate classification (germline): Uncertain significance (1 of 4 stars; one submission).

Submission:

Labcorp Genetics (formerly Invitae), Labcorp
Classification: Uncertain significance. Last evaluated: 2023-06-02. Review status: criteria provided, single submitter. Criteria: Invitae Variant Classification Sherloc (09022015). Collection method: clinical testing. Allele origin: germline.
Comment: This variant has not been reported in the literature in individuals affected with POC5-related conditions. In summary, the available evidence is currently insufficient to determine the role of this variant in disease. Therefore, it has been classified as a Variant of Uncertain Significance. An algorithm developed to predict the effect of missense changes on protein structure and function (PolyPhen-2) suggests that this variant is likely to be disruptive. This variant is not present in population databases (gnomAD no frequency). This sequence change replaces proline, which is neutral and non-polar, with serine, which is neutral and polar, at codon 60 of the POC5 protein (p.Pro60Ser).